The following is an entry in ClinVar:

NM_015602.4(TOR1AIP1):c.1327C>T (p.Arg443Trp)

Gene: TOR1AIP1 (torsin 1A interacting protein 1; plus strand). Cytogenetic location: 1q25.2.
Variant type: single nucleotide variant.
Coding change: c.1327C>T on transcript NM_015602.4 (MANE Select); coding-DNA position 1327, C replaced by T.
Protein change: p.Arg443Trp; replaces arginine 443 with tryptophan.
Molecular consequence: missense variant.
Genome position (GRCh38, 1-based): chr1:179,917,814, C>T. VCF-style: chr1-179917814-C-T. GRCh37 (hg19) VCF-style: chr1-179886949-C-T.
Other names: c.1330C>T, p.Arg444Trp (NM_001267578.2); short protein forms R444W, R443W.
Identifiers: ClinVar variation 1511448 (VCV001511448.6), dbSNP rs763037095, ClinGen allele CA1269128.

ClinVar aggregate classification (germline): Uncertain significance (1 of 4 stars; one submission).

Conditions:
Autosomal recessive limb-girdle muscular dystrophy type 2Y (MRRSDC). Also called: Muscular dystrophy, autosomal recessive, with rigid spine and distal joint contractures; Muscular dystrophy, limb-girdle, type 2y. Identifiers: Orphanet 424261, MedGen C4511482, MONDO:0014900, OMIM 617072.

Allele frequency attached by ClinVar (database versions not stated): gnomAD exomes below 0.00001 and 0.00001; TOPMed below 0.00001; ExAC 0.00001; gnomAD 0.00001.
gnomAD v4.1: 12 of 1,614,002 alleles (0.00074%); highest among the groups gnomAD compares: South Asian, 0.0044%; no homozygotes.

Submission:

Labcorp Genetics (formerly Invitae), Labcorp
Classification: Uncertain significance for Autosomal recessive limb-girdle muscular dystrophy type 2Y. Last evaluated: 2022-11-22. Review status: criteria provided, single submitter. Criteria: Invitae Variant Classification Sherloc (09022015). Collection method: clinical testing. Allele origin: germline.
Comment: In summary, the available evidence is currently insufficient to determine the role of this variant in disease. Therefore, it has been classified as a Variant of Uncertain Significance. Advanced modeling of protein sequence and biophysical properties (such as structural, functional, and spatial information, amino acid conservation, physicochemical variation, residue mobility, and thermodynamic stability) performed at Invitae indicates that this missense variant is expected to disrupt TOR1AIP1 protein function. ClinVar contains an entry for this variant (Variation ID: 1511448). This variant has not been reported in the literature in individuals affected with TOR1AIP1-related conditions. This variant is present in population databases (rs763037095, gnomAD 0.0008%). This sequence change replaces arginine, which is basic and polar, with tryptophan, which is neutral and slightly polar, at codon 444 of the TOR1AIP1 protein (p.Arg444Trp).